The following is an entry in ClinVar:

ClinVar aggregate classification (germline): Likely benign. Review status: criteria provided, multiple submitters, no conflicts (2 of 4 stars). 2 submissions from 2 submitters: Likely benign (2). Last evaluated 2023-11-28.

Conditions:
Arrhythmogenic cardiomyopathy with wooly hair and keratoderma. Also called: PALMOPLANTAR KERATODERMA WITH LEFT VENTRICULAR CARDIOMYOPATHY AND WOOLLY HAIR; Carvajal syndrome; Dilated cardiomyopathy with woolly hair and keratoderma; Arrhythmogenic cardiomyopathy with woolly hair and keratoderma. Identifiers: Orphanet 65282, MedGen C1854063, MONDO:0011581, OMIM 605676.
Cardiovascular phenotype. Identifiers: MedGen CN230736.

Allele frequency attached by ClinVar (database versions not stated): TOPMed below 0.00001; gnomAD 0.00001.
gnomAD v4.1: 1 of 1,614,048 alleles (0.000062%); highest among the groups gnomAD compares: Non-Finnish European, 0.000085%; no homozygotes.

Submissions (2):

Ambry Genetics
Classification: Likely benign for Cardiovascular phenotype. Last evaluated: 2023-11-28. Review status: criteria provided, single submitter. Criteria: Ambry Variant Classification Scheme 2023. Collection method: clinical testing. Allele origin: germline.

All of Us Research Program, National Institutes of Health
Classification: Likely benign for Arrhythmogenic cardiomyopathy with wooly hair and keratoderma. Last evaluated: 2023-04-28. Review status: criteria provided, single submitter. Criteria: ACMG Guidelines, 2015. Collection method: clinical testing. Allele origin: germline. Inheritance: Autosomal dominant inheritance. Observed: 1 variant allele, 1 heterozygote.
Comment: This study involves interpretation of variants in research participants for the purpose of population health screening. Participant phenotype was not available at the time of variant classification. Additional details can be found in publication PMID: 35346344, PMCID: PMC8962531

NM_004415.4(DSP):c.6897C>G (p.Gly2299=)

Gene: DSP (desmoplakin; plus strand). Cytogenetic location: 6p24.3.
Variant type: single nucleotide variant.
Coding change: c.6897C>G on transcript NM_004415.4 (MANE Select); coding-DNA position 6897, C replaced by G.
Protein change: p.Gly2299=; no amino-acid change (glycine 2299 retained).
Molecular consequence: synonymous variant.
Genome position (GRCh38, 1-based): chr6:7,584,159, C>G. VCF-style: chr6-7584159-C-G. GRCh37 (hg19) VCF-style: chr6-7584392-C-G.
Other names: c.5100C>G, p.Gly1700= (NM_001008844.3); c.5568C>G, p.Gly1856= (NM_001319034.2).
Identifiers: ClinVar variation 3070569 (VCV003070569.2), dbSNP rs1459176618, ClinGen allele CA448716607.